The following is an entry in ClinVar:

NM_032888.4(COL27A1):c.994G>A (p.Ala332Thr)

Gene: COL27A1 (collagen type XXVII alpha 1 chain; plus strand). Cytogenetic location: 9q32.
Variant type: single nucleotide variant.
Coding change: c.994G>A on transcript NM_032888.4 (MANE Select); coding-DNA position 994, G replaced by A.
Protein change: p.Ala332Thr; replaces alanine 332 with threonine.
Molecular consequence: missense variant.
Genome position (GRCh38, 1-based): chr9:114,168,549, G>A. VCF-style: chr9-114168549-G-A. GRCh37 (hg19) VCF-style: chr9-116930829-G-A.
Other names: short protein forms A332T.
Identifiers: ClinVar variation 2166449 (VCV002166449.1), dbSNP rs759104028, ClinGen allele CA5201276.
Genomic context (GRCh38, chr9:114,168,549, plus strand): 5'-ATGGCGGTGGGAGGCCCAGCCCAAACCCCGCTGCTACCTGCCAAGCTGTCAGCCAGTAAC[G>A]CACTTGATCCCATGCTCCCAGCCTCTGTTGGCGGCTCTACCAGAACGCCTCGCCCTGCGG-3'
Protein context (NP_116277.2, residues 322-342): LLPAKLSASN[Ala332Thr]LDPMLPASVG

ClinVar aggregate classification (germline): Uncertain significance (1 of 4 stars; one submission).

Allele frequency attached by ClinVar (database versions not stated): gnomAD 0.00001; ExAC 0.00002; TOPMed 0.00007.
gnomAD v4.1: 23 of 1,613,860 alleles (0.0014%); highest among the groups gnomAD compares: Non-Finnish European, 0.0018%; no homozygotes.

Submission:

Labcorp Genetics (formerly Invitae), Labcorp
Classification: Uncertain significance. Last evaluated: 2022-07-17. Review status: criteria provided, single submitter. Criteria: Invitae Variant Classification Sherloc (09022015). Collection method: clinical testing. Allele origin: germline.
Comment: This sequence change replaces alanine, which is neutral and non-polar, with threonine, which is neutral and polar, at codon 332 of the COL27A1 protein (p.Ala332Thr). This variant is present in population databases (rs759104028, gnomAD 0.004%). This variant has not been reported in the literature in individuals affected with COL27A1-related conditions. Advanced modeling of protein sequence and biophysical properties (such as structural, functional, and spatial information, amino acid conservation, physicochemical variation, residue mobility, and thermodynamic stability) performed at Invitae indicates that this missense variant is not expected to disrupt COL27A1 protein function. In summary, the available evidence is currently insufficient to determine the role of this variant in disease. Therefore, it has been classified as a Variant of Uncertain Significance.